The following is an entry in ClinVar:

NM_182705.3(RFLNB):c.506T>C (p.Val169Ala)

Gene: RFLNB (refilin B; minus strand). Cytogenetic location: 17p13.3.
Variant type: single nucleotide variant.
Coding change: c.506T>C on transcript NM_182705.3 (MANE Select); coding-DNA position 506, T replaced by C.
Protein change: p.Val169Ala; replaces valine 169 with alanine.
Molecular consequence: missense variant.
Genome position (GRCh38, 1-based): chr17:443,303, A>G on the plus strand (T>C on the coding strand, the complement: RFLNB is on the minus strand). VCF-style: chr17-443303-A-G. GRCh37 (hg19) VCF-style: chr17-293094-A-G.
Other names: short protein forms V169A.
Identifiers: ClinVar variation 2647162 (VCV002647162.24), dbSNP rs189011908, ClinGen allele CA8261001.

ClinVar aggregate classification (germline): Likely benign (1 of 4 stars; one submission).

Allele frequency attached by ClinVar (database versions not stated): 1000 Genomes Project 30x 0.00172; 1000 Genomes Project 0.00180; TOPMed 0.00472; gnomAD 0.00499; ExAC 0.00513; gnomAD exomes 0.00660; ESP Exome Variant Server 0.00675.

Submission:

CeGaT Center for Human Genetics Tuebingen
Classification: Likely benign. Last evaluated: 2023-02-01. Review status: criteria provided, single submitter. Criteria: CeGaT Center For Human Genetics Tuebingen Variant Classification Criteria Version 2. Collection method: clinical testing. Allele origin: germline. Affected: yes. Observed: 1 variant allele.
Comment: RFLNB: BP4, BS2